The following is an entry in ClinVar:

NM_001848.3(COL6A1):c.2568C>T (p.Ala856=)

Gene: COL6A1 (collagen type VI alpha 1 chain; plus strand). Cytogenetic location: 21q22.3.
Variant type: single nucleotide variant.
Coding change: c.2568C>T on transcript NM_001848.3 (MANE Select); coding-DNA position 2568, C replaced by T.
Protein change: p.Ala856=; no amino-acid change (alanine 856 retained).
Molecular consequence: synonymous variant.
Genome position (GRCh38, 1-based): chr21:46,003,494, C>T. VCF-style: chr21-46003494-C-T. GRCh37 (hg19) VCF-style: chr21-47423408-C-T.
Other names: c.2568C>T (NM_001848.2).
Identifiers: ClinVar variation 1134024 (VCV001134024.35), dbSNP rs771446601, ClinGen allele CA10070960.

ClinVar aggregate classification (germline): Likely benign. Review status: criteria provided, multiple submitters, no conflicts (2 of 4 stars). 4 submissions from 4 submitters: Likely benign (3). 1 of the submissions does not count toward it. Last evaluated 2026-04-24.

Conditions:
COL6A1-related disorder. Also called: COL6A1-related condition.
Bethlem myopathy 1A. Also called: Bethlem myopathy 1; Bethlem Muscular Dystrophy; MYOPATHY, BENIGN CONGENITAL, WITH CONTRACTURES. Identifiers: Orphanet 610, MedGen CN029274, MONDO:0024530, OMIM 158810.

Allele frequency attached by ClinVar (database versions not stated): TOPMed 0.00006; gnomAD 0.00009 and 0.00012; ExAC 0.00012.
gnomAD v4.1: 108 of 1,610,662 alleles (0.0067%); highest among the groups gnomAD compares: South Asian, 0.055%; no homozygotes.

Submissions (4):

Women's Health and Genetics/Laboratory Corporation of America, LabCorp
Classification: Likely benign. Last evaluated: 2026-04-24. Review status: criteria provided, single submitter. Criteria: LabCorp Variant Classification Summary - May 2015. Collection method: clinical testing. Allele origin: germline.

Labcorp Genetics (formerly Invitae), Labcorp
Classification: Likely benign for Bethlem myopathy 1A. Last evaluated: 2025-11-23. Review status: criteria provided, single submitter. Criteria: Invitae Variant Classification Sherloc (09022015). Collection method: clinical testing. Allele origin: germline.

CeGaT Center for Human Genetics Tuebingen
Classification: Likely benign. Last evaluated: 2022-12-01. Review status: criteria provided, single submitter. Criteria: CeGaT Center For Human Genetics Tuebingen Variant Classification Criteria Version 2. Collection method: clinical testing. Allele origin: germline. Affected: yes. Observed: 1 variant allele.
Comment: COL6A1: BP4, BP7

PreventionGenetics, part of Exact Sciences
Classification: Likely benign for COL6A1-related condition. Last evaluated: 2019-03-23. Review status: no assertion criteria provided. Collection method: clinical testing. Allele origin: germline. Not counted in ClinVar's aggregate classification.
Comment: This variant is classified as likely benign based on ACMG/AMP sequence variant interpretation guidelines (Richards et al. 2015 PMID: 25741868, with internal and published modifications).